The following is an entry in ClinVar:

ClinVar aggregate classification (germline): Benign (1 of 4 stars; one submission).

Conditions:
Maple syrup urine disease (MSUD). Identifiers: Orphanet 511, MedGen C0024776, MeSH D008375, MONDO:0009563. Disease mechanism: loss of function.

Allele frequency attached by ClinVar (database versions not stated): 1000 Genomes Project 0.00719; gnomAD 0.00725 and 0.00680; TOPMed 0.00774; 1000 Genomes Project 30x 0.00859.

Submission:

Illumina Laboratory Services, Illumina
Classification: Benign for Maple syrup urine disease type 1A. Last evaluated: 2017-04-27. Review status: criteria provided, single submitter. Criteria: ICSL Variant Classification Criteria 13 December 2019. Collection method: clinical testing. Allele origin: germline.
Comment: This variant was observed as part of a predisposition screen in an ostensibly healthy population. A literature search was performed for the gene, cDNA change, and amino acid change (where applicable). No publications were found based on this search. Allele frequency data from public databases was too high to be consistent with this variant causing disease. Therefore, this variant is classified as benign.

NM_001918.5(DBT):c.*7358C>T

Gene: DBT (dihydrolipoamide branched chain transacylase E2; minus strand). Cytogenetic location: 1p21.2.
Variant type: single nucleotide variant.
Coding change: c.*7358C>T on transcript NM_001918.5 (MANE Select); 7358 bases downstream of the stop codon, C replaced by T.
Molecular consequence: 3 prime UTR variant.
Genome position (GRCh38, 1-based): chr1:100,188,897, G>A on the plus strand (C>T on the coding strand, the complement: DBT is on the minus strand). VCF-style: chr1-100188897-G-A. GRCh37 (hg19) VCF-style: chr1-100654453-G-A.
Identifiers: ClinVar variation 874289 (VCV000874289.4), dbSNP rs143822588, ClinGen allele CA27596469.
Genomic context (GRCh38, chr1:100,188,897, plus strand): 5'-CCAAATTCTCCTGCTCAGTTTTAGCAAGCTGGCCTGGAGTTCTCTCACACGGTCTGGCTA[G>A]CACAGTAATTTGCTTGTGGTTAAAAGCCTTTGTGCTCAGTACTGAGACTGCCACATAATG-3'